The following is an entry in ClinVar:

ClinVar aggregate classification (germline): Uncertain significance (1 of 4 stars; one submission).

Conditions:
Aicardi-Goutieres syndrome 3. Identifiers: Orphanet 51, MedGen C1835916, MONDO:0012471, OMIM 610329.

Submission:

Labcorp Genetics (formerly Invitae), Labcorp
Classification: Uncertain significance for Aicardi-Goutieres syndrome 3. Last evaluated: 2021-08-15. Review status: criteria provided, single submitter. Criteria: Invitae Variant Classification Sherloc (09022015). Collection method: clinical testing. Allele origin: germline.
Comment: This sequence change replaces alanine with proline at codon 8 of the RNASEH2C protein (p.Ala8Pro). The alanine residue is weakly conserved and there is a small physicochemical difference between alanine and proline. This variant is not present in population databases (ExAC no frequency). This variant has not been reported in the literature in individuals affected with RNASEH2C-related conditions. Algorithms developed to predict the effect of missense changes on protein structure and function output the following: SIFT: "Tolerated"; PolyPhen-2: "Benign"; Align-GVGD: "Class C0". The proline amino acid residue is found in multiple mammalian species, which suggests that this missense change does not adversely affect protein function. In summary, the available evidence is currently insufficient to determine the role of this variant in disease. Therefore, it has been classified as a Variant of Uncertain Significance.

NM_032193.4(RNASEH2C):c.22G>C (p.Ala8Pro)

Gene: RNASEH2C (ribonuclease H2 subunit C; minus strand). Cytogenetic location: 11q13.1.
Variant type: single nucleotide variant.
Coding change: c.22G>C on transcript NM_032193.4 (MANE Select); coding-DNA position 22, G replaced by C.
Protein change: p.Ala8Pro; replaces alanine 8 with proline.
Molecular consequence: missense variant.
Genome position (GRCh38, 1-based): chr11:65,720,737, C>G on the plus strand (G>C on the coding strand, the complement: RNASEH2C is on the minus strand). VCF-style: chr11-65720737-C-G. GRCh37 (hg19) VCF-style: chr11-65488208-C-G.
Other names: short protein forms A8P.
Identifiers: ClinVar variation 1468063 (VCV001468063.3), dbSNP rs2135654514, ClinGen allele CA381299709.